The following is an entry in ClinVar:

NM_000260.4(MYO7A):c.4076A>G (p.Glu1359Gly)

Gene: MYO7A (myosin VIIA; plus strand). Cytogenetic location: 11q13.5.
Variant type: single nucleotide variant.
Coding change: c.4076A>G on transcript NM_000260.4 (MANE Select); coding-DNA position 4076, A replaced by G.
Protein change: p.Glu1359Gly; replaces glutamic acid 1359 with glycine.
Molecular consequence: missense variant.
Genome position (GRCh38, 1-based): chr11:77,192,202, A>G. VCF-style: chr11-77192202-A-G. GRCh37 (hg19) VCF-style: chr11-76903247-A-G.
Other names: c.4076A>G, p.Glu1359Gly (NM_001127180.2); c.4043A>G, p.Glu1348Gly (NM_001369365.1); c.4076A>G (NM_000260.3); short protein forms E1359G, E1348G.
Identifiers: ClinVar variation 2161522 (VCV002161522.6), dbSNP rs770518876, ClinGen allele CA6198310.
Genomic context (GRCh38, chr11:77,192,202, plus strand): 5'-ACGCCCCCTGGAGGCTCTTCTTCCGCAAAGAGGTCTTCACGCCCTGGCACAGCCCCTCCG[A>G]GGACAACGTGGCCACCAACCTCATCTACCAGCAGGTGGTGCGAGGAGTCAAGTTTGGGGA-3'
Protein context (NP_000251.3, residues 1349-1369): EVFTPWHSPS[Glu1359Gly]DNVATNLIYQ

ClinVar aggregate classification (germline): Uncertain significance. Review status: criteria provided, multiple submitters, no conflicts (2 of 4 stars). 3 submissions from 3 submitters: Uncertain significance (3). Last evaluated 2026-01-19.

Conditions:
Inborn genetic diseases. Identifiers: MedGen C0950123, MeSH D030342.

Allele frequency attached by ClinVar (database versions not stated): gnomAD 0.00001; ExAC 0.00002; gnomAD exomes 0.00002.
gnomAD v4.1: 10 of 1,613,916 alleles (0.00062%); highest among the groups gnomAD compares: Non-Finnish European, 0.00085%; no homozygotes.

Submissions (3):

Labcorp Genetics (formerly Invitae), Labcorp
Classification: Uncertain significance. Last evaluated: 2026-01-19. Review status: criteria provided, single submitter. Criteria: Invitae Variant Classification Sherloc (09022015). Collection method: clinical testing. Allele origin: germline.
Comment: This sequence change replaces glutamic acid, which is acidic and polar, with glycine, which is neutral and non-polar, at codon 1359 of the MYO7A protein (p.Glu1359Gly). This variant is present in population databases (rs770518876, gnomAD 0.003%). This variant has not been reported in the literature in individuals affected with MYO7A-related conditions. ClinVar contains an entry for this variant (Variation ID: 2161522). Invitae Evidence Modeling of protein sequence and biophysical properties (such as structural, functional, and spatial information, amino acid conservation, physicochemical variation, residue mobility, and thermodynamic stability) indicates that this missense variant is not expected to disrupt MYO7A protein function with a negative predictive value of 95%. In summary, the available evidence is currently insufficient to determine the role of this variant in disease. Therefore, it has been classified as a Variant of Uncertain Significance.

Ambry Genetics
Classification: Uncertain significance for Inborn genetic diseases. Last evaluated: 2024-08-28. Review status: criteria provided, single submitter. Criteria: Ambry Variant Classification Scheme 2023. Collection method: clinical testing. Allele origin: germline.

GeneDx
Classification: Uncertain significance. Last evaluated: 2024-04-22. Review status: criteria provided, single submitter. Criteria: GeneDx Variant Classification Process June 2021. Collection method: clinical testing. Allele origin: germline. Affected: yes.
Comment: In silico analysis supports that this missense variant has a deleterious effect on protein structure/function; Has not been previously published as pathogenic or benign to our knowledge